The following is an entry in ClinVar:

ClinVar aggregate classification (germline): Uncertain significance. Review status: criteria provided, multiple submitters, no conflicts (2 of 4 stars). 2 submissions from 2 submitters: Uncertain significance (2). Last evaluated 2025-11-11.

Conditions:
CDAN1-related disorder. Also called: CDAN1-related condition.
Inborn genetic diseases. Identifiers: MedGen C0950123, MeSH D030342.

Allele frequency attached by ClinVar (database versions not stated): ExAC 0.00003; TOPMed 0.00003; gnomAD 0.00006; ESP Exome Variant Server 0.00008; 1000 Genomes Project 0.00020; 1000 Genomes Project 30x 0.00047.

Submissions (2):

PreventionGenetics, part of Exact Sciences
Classification: Uncertain significance for CDAN1-related condition. Last evaluated: 2025-11-11. Review status: criteria provided, single submitter. Criteria: ACMG Guidelines, 2015. Collection method: clinical testing. Allele origin: germline.
Comment: The CDAN1 c.1868G>A variant is predicted to result in the amino acid substitution p.Arg623Gln. To our knowledge, this variant has not been reported in the literature. This variant is reported in 0.0077% of alleles in individuals of European (Non-Finnish) descent in gnomAD. At this time, the clinical significance of this variant is uncertain due to the absence of conclusive functional and genetic evidence.

Ambry Genetics
Classification: Uncertain significance for Inborn genetic diseases. Last evaluated: 2021-12-02. Review status: criteria provided, single submitter. Criteria: Ambry Variant Classification Scheme 2023. Collection method: clinical testing. Allele origin: germline.

NM_138477.4(CDAN1):c.1868G>A (p.Arg623Gln)

Gene: CDAN1 (codanin 1; minus strand). Cytogenetic location: 15q15.2.
Variant type: single nucleotide variant.
Coding change: c.1868G>A on transcript NM_138477.4 (MANE Select); coding-DNA position 1868, G replaced by A.
Protein change: p.Arg623Gln; replaces arginine 623 with glutamine.
Molecular consequence: missense variant.
Genome position (GRCh38, 1-based): chr15:42,731,064, C>T on the plus strand (G>A on the coding strand, the complement: CDAN1 is on the minus strand). VCF-style: chr15-42731064-C-T. GRCh37 (hg19) VCF-style: chr15-43023262-C-T.
Other names: short protein forms R623Q.
Identifiers: ClinVar variation 2394643 (VCV002394643.3), dbSNP rs200878964, ClinGen allele CA7515887.